The following is an entry in ClinVar:

ClinVar aggregate classification (germline): Uncertain significance (1 of 4 stars; one submission).

gnomAD v4.1: 35 of 1,611,400 alleles (0.0022%); highest among the groups gnomAD compares: Admixed American, 0.0033%; no homozygotes.

Submission:

Labcorp Genetics (formerly Invitae), Labcorp
Classification: Uncertain significance. Last evaluated: 2025-06-14. Review status: criteria provided, single submitter. Criteria: Invitae Variant Classification Sherloc (09022015). Collection method: clinical testing. Allele origin: germline.
Comment: This sequence change replaces alanine, which is neutral and non-polar, with threonine, which is neutral and polar, at codon 1368 of the SIPA1L3 protein (p.Ala1368Thr). This variant is present in population databases (rs560378215, gnomAD 0.008%). This variant has not been reported in the literature in individuals affected with SIPA1L3-related conditions. An algorithm developed to predict the effect of missense changes on protein structure and function outputs the following: PolyPhen-2: "Benign". The threonine amino acid residue is found in multiple mammalian species, which suggests that this missense change does not adversely affect protein function. In summary, the available evidence is currently insufficient to determine the role of this variant in disease. Therefore, it has been classified as a Variant of Uncertain Significance.

NM_015073.3(SIPA1L3):c.4102G>A (p.Ala1368Thr)

Gene: SIPA1L3 (signal induced proliferation associated 1 like 3; plus strand). Cytogenetic location: 19q13.13.
Variant type: single nucleotide variant.
Coding change: c.4102G>A on transcript NM_015073.3 (MANE Select); coding-DNA position 4102, G replaced by A.
Protein change: p.Ala1368Thr; replaces alanine 1368 with threonine.
Molecular consequence: missense variant.
Genome position (GRCh38, 1-based): chr19:38,164,800, G>A. VCF-style: chr19-38164800-G-A. GRCh37 (hg19) VCF-style: chr19-38655440-G-A.
Other names: short protein forms A1368T.
Identifiers: ClinVar variation 4742385 (VCV004742385.1).
Genomic context (GRCh38, chr19:38,164,800, plus strand): 5'-CGCGAGGCCGCTGGGAGGTCCCACCACGCAGACAGGCGGCGGGAGGTCTCCCCTGCCCCC[G>A]CAGTTGCCGGCCAAAGCAAGGGCTACCGACCGAAGCTGTACTCCTCCGGCTCCAGCACCC-3'
Protein context (NP_055888.1, residues 1358-1378): DRRREVSPAP[Ala1368Thr]VAGQSKGYRP